The following is an entry in ClinVar:

ClinVar aggregate classification (germline): Uncertain significance. Review status: criteria provided, multiple submitters, no conflicts (2 of 4 stars). 2 submissions from 2 submitters: Uncertain significance (2). Last evaluated 2024-12-20.

Conditions:
Familial thoracic aortic aneurysm and aortic dissection (TAAD). Also called: Thoracic aortic aneurysms and dissections. Identifiers: Orphanet 91387, MedGen C4707243, MONDO:0019625.

Allele frequency attached by ClinVar (database versions not stated): gnomAD exomes below 0.00001.
gnomAD v4.1: 2 of 1,614,012 alleles (0.00012%); highest among the groups gnomAD compares: Non-Finnish European, 0.00017%; no homozygotes.

Submissions (2):

Ambry Genetics
Classification: Uncertain significance for Familial thoracic aortic aneurysm and aortic dissection. Last evaluated: 2024-12-20. Review status: criteria provided, single submitter. Criteria: Ambry Variant Classification Scheme 2023. Collection method: clinical testing. Allele origin: germline.
Comment: The p.K120Q variant (also known as c.358A>C), located in coding exon 3 of the TGFBR2 gene, results from an A to C substitution at nucleotide position 358. The lysine at codon 120 is replaced by glutamine, an amino acid with similar properties. This amino acid position is conserved. In addition, the in silico prediction for this alteration is inconclusive. Based on the available evidence, the clinical significance of this variant remains unclear.

Labcorp Genetics (formerly Invitae), Labcorp
Classification: Uncertain significance for Familial thoracic aortic aneurysm and aortic dissection. Last evaluated: 2023-10-07. Review status: criteria provided, single submitter. Criteria: Invitae Variant Classification Sherloc (09022015). Collection method: clinical testing. Allele origin: germline.
Comment: This sequence change replaces lysine, which is basic and polar, with glutamine, which is neutral and polar, at codon 120 of the TGFBR2 protein (p.Lys120Gln). This variant is not present in population databases (gnomAD no frequency). This variant has not been reported in the literature in individuals affected with TGFBR2-related conditions. ClinVar contains an entry for this variant (Variation ID: 1061535). Advanced modeling of protein sequence and biophysical properties (such as structural, functional, and spatial information, amino acid conservation, physicochemical variation, residue mobility, and thermodynamic stability) performed at Invitae indicates that this missense variant is not expected to disrupt TGFBR2 protein function. In summary, the available evidence is currently insufficient to determine the role of this variant in disease. Therefore, it has been classified as a Variant of Uncertain Significance.

NM_003242.6(TGFBR2):c.358A>C (p.Lys120Gln)

Gene: TGFBR2 (transforming growth factor beta receptor 2; plus strand). Cytogenetic location: 3p24.1.
Variant type: single nucleotide variant.
Coding change: c.358A>C on transcript NM_003242.6 (MANE Select); coding-DNA position 358, A replaced by C.
Protein change: p.Lys120Gln; replaces lysine 120 with glutamine.
Molecular consequence: missense variant.
Genome position (GRCh38, 1-based): chr3:30,650,364, A>C. VCF-style: chr3-30650364-A-C. GRCh37 (hg19) VCF-style: chr3-30691856-A-C.
Other names: c.433A>C, p.Lys145Gln (NM_001024847.3, NM_001407126.1, NM_001407139.1); c.358A>C, p.Lys120Gln (NM_001407127.1, NM_001407130.1); c.385A>C, p.Lys129Gln (NM_001407128.1); c.253A>C, p.Lys85Gln (NM_001407129.1, NM_001407132.1, NM_001407133.1 and 3 more transcripts); c.358A>C (NM_003242.5); short protein forms K120Q, K145Q, K85Q, K129Q.
Identifiers: ClinVar variation 1061535 (VCV001061535.7), dbSNP rs2125410292, ClinGen allele CA351806905.